The following is an entry in ClinVar:

ClinVar aggregate classification (germline): Uncertain significance. Review status: criteria provided, single submitter (1 of 4 stars). 3 submissions from 3 submitters: Uncertain significance (1). 2 of the submissions do not count toward it. Last evaluated 2023-12-13.

Conditions:
Kabuki syndrome. Also called: Kabuki make-up syndrome; NIIKAWA-KUROKI SYNDROME. Identifiers: Orphanet 2322, MedGen C0796004, MONDO:0016512.

Submissions (3):

Labcorp Genetics (formerly Invitae), Labcorp
Classification: Uncertain significance for Kabuki syndrome. Last evaluated: 2023-12-13. Review status: criteria provided, single submitter. Criteria: Invitae Variant Classification Sherloc (09022015). Collection method: clinical testing. Allele origin: germline.
Comment: This sequence change replaces histidine, which is basic and polar, with asparagine, which is neutral and polar, at codon 2507 of the KMT2D protein (p.His2507Asn). This variant is not present in population databases (gnomAD no frequency). This variant has not been reported in the literature in individuals affected with KMT2D-related conditions. ClinVar contains an entry for this variant (Variation ID: 1174977). Advanced modeling of protein sequence and biophysical properties (such as structural, functional, and spatial information, amino acid conservation, physicochemical variation, residue mobility, and thermodynamic stability) performed at Invitae indicates that this missense variant is not expected to disrupt KMT2D protein function with a negative predictive value of 95%. In summary, the available evidence is currently insufficient to determine the role of this variant in disease. Therefore, it has been classified as a Variant of Uncertain Significance.

Clinical Genetics DNA and cytogenetics Diagnostics Lab, Erasmus MC, Erasmus Medical Center
Classification: Uncertain significance. Review status: no assertion criteria provided. Collection method: clinical testing. Allele origin: germline. Affected: yes. Study: VKGL Data-share Consensus. Not counted in ClinVar's aggregate classification.

Diagnostic Laboratory, Department of Genetics, University Medical Center Groningen
Classification: Uncertain significance. Review status: no assertion criteria provided. Collection method: clinical testing. Allele origin: germline. Affected: yes. Study: VKGL Data-share Consensus. Not counted in ClinVar's aggregate classification.

NM_003482.4(KMT2D):c.7519C>A (p.His2507Asn)

Gene: KMT2D (lysine methyltransferase 2D; minus strand). Cytogenetic location: 12q13.12.
Variant type: single nucleotide variant.
Coding change: c.7519C>A on transcript NM_003482.4 (MANE Select); coding-DNA position 7519, C replaced by A.
Protein change: p.His2507Asn; replaces histidine 2507 with asparagine.
Molecular consequence: missense variant.
Genome position (GRCh38, 1-based): chr12:49,040,251, G>T on the plus strand (C>A on the coding strand, the complement: KMT2D is on the minus strand). VCF-style: chr12-49040251-G-T. GRCh37 (hg19) VCF-style: chr12-49434034-G-T.
Other names: short protein forms H2507N.
Identifiers: ClinVar variation 1174977 (VCV001174977.7), dbSNP rs977445745, ClinGen allele CA384747548.